The following is an entry in ClinVar:

NM_000406.3(GNRHR):c.386C>A (p.Ala129Asp)

Gene: GNRHR (gonadotropin releasing hormone receptor; minus strand). Cytogenetic location: 4q13.2.
Variant type: single nucleotide variant.
Coding change: c.386C>A on transcript NM_000406.3 (MANE Select); coding-DNA position 386, C replaced by A.
Protein change: p.Ala129Asp; replaces alanine 129 with aspartic acid.
Molecular consequence: missense variant.
Genome position (GRCh38, 1-based): chr4:67,753,950, G>T on the plus strand (C>A on the coding strand, the complement: GNRHR is on the minus strand). VCF-style: chr4-67753950-G-T. GRCh37 (hg19) VCF-style: chr4-68619668-G-T.
Other names: c.386C>A, p.Ala129Asp (NM_001012763.2); short protein forms A129D.
Identifiers: ClinVar variation 16026 (VCV000016026.7), dbSNP rs104893838, ClinGen allele CA130203.

ClinVar aggregate classification (germline): Pathogenic. Review status: criteria provided, multiple submitters, no conflicts (2 of 4 stars). 3 submissions from 3 submitters: Pathogenic (2). 1 of the submissions does not count toward it. Last evaluated 2025-08-11.

Conditions:
Hypogonadotropic hypogonadism 7 with or without anosmia (HH7). Also called: HYPOGONADOTROPIC HYPOGONADISM 7 WITHOUT ANOSMIA; GNRHR-Related GnRH Deficiency. Identifiers: Orphanet 432, MedGen C0342384, MONDO:0007794, OMIM 146110.

gnomAD v4.1: 25 of 1,614,028 alleles (0.0015%); highest among the groups gnomAD compares: Admixed American, 0.0033%; no homozygotes.

Submissions (3):

Labcorp Genetics (formerly Invitae), Labcorp
Classification: Pathogenic. Last evaluated: 2025-08-11. Review status: criteria provided, single submitter. Criteria: Invitae Variant Classification Sherloc (09022015). Collection method: clinical testing. Allele origin: germline.
Comment: This sequence change replaces alanine, which is neutral and non-polar, with aspartic acid, which is acidic and polar, at codon 129 of the GNRHR protein (p.Ala129Asp). This variant is present in population databases (rs104893838, gnomAD 0.003%). This missense change has been observed in individual(s) with hypogonadotropic hypogonadism (PMID: 10084584, 12477532, 27094476). In at least one individual the data is consistent with being in trans (on the opposite chromosome) from a pathogenic variant. It has also been observed to segregate with disease in related individuals. ClinVar contains an entry for this variant (Variation ID: 16026). Invitae Evidence Modeling of protein sequence and biophysical properties (such as structural, functional, and spatial information, amino acid conservation, physicochemical variation, residue mobility, and thermodynamic stability) indicates that this missense variant is expected to disrupt GNRHR protein function with a positive predictive value of 80%. Experimental studies have shown that this missense change affects GNRHR function (PMID: 10084584). For these reasons, this variant has been classified as Pathogenic.

Department of Pathology and Laboratory Medicine, Sinai Health System
Classification: Pathogenic for Hypogonadotropic hypogonadism 7 with or without anosmia. Last evaluated: 2022-11-29. Review status: criteria provided, single submitter. Criteria: ACMG Guidelines, 2015. Collection method: research. Allele origin: germline.

OMIM
Classification: Pathogenic for HYPOGONADOTROPIC HYPOGONADISM 7 WITHOUT ANOSMIA. Last evaluated: 1999-03-01. Review status: no assertion criteria provided. Collection method: literature only. Allele origin: germline. Not counted in ClinVar's aggregate classification.

Literature cited by the submitters: PubMed 10084584 (cited by Labcorp Genetics (formerly Invitae), Labcorp and OMIM); PubMed 12477532 (cited by Labcorp Genetics (formerly Invitae), Labcorp); PubMed 27094476 (cited by Labcorp Genetics (formerly Invitae), Labcorp).